The following is an entry in ClinVar:

Conditions:
Breast-ovarian cancer, familial, susceptibility to, 1 (BROVCA1). Also called: BRCA1 Hereditary Breast and Ovarian Cancer; OVARIAN CANCER, SUSCEPTIBILITY TO. Identifiers: Orphanet 145, MedGen C2676676, MONDO:0011450, OMIM 604370. Disease mechanism: loss of function.

Allele frequency attached by ClinVar (database versions not stated): gnomAD exomes below 0.00001.
gnomAD v4.1: 1 of 1,604,602 alleles (0.000062%); highest among the groups gnomAD compares: Non-Finnish European, 0.000085%; no homozygotes.

Submission:

Brotman Baty Institute, University of Washington
No classification provided (evidence only). Condition: Breast-ovarian cancer, familial 1. Review status: no classification provided. Collection method: in vitro. Allele origin: not applicable. Functional consequence: functionally_normal.
ClinVar note: "not provided" was previously submitted as the classification for the variant. However, the classification appeared to be based only on an observation of functional data so it was converted to no classification on 2025-07-30.

NM_007294.4(BRCA1):c.173C>T (p.Pro58Leu)

Gene: BRCA1 (BRCA1 DNA repair associated; minus strand). Cytogenetic location: 17q21.31.
Variant type: single nucleotide variant.
Coding change: c.173C>T on transcript NM_007294.4 (MANE Select); coding-DNA position 173, C replaced by T.
Protein change: p.Pro58Leu; replaces proline 58 with leucine.
Molecular consequence: missense variant. On other transcripts: non-coding transcript variant (1).
Genome position (GRCh38, 1-based): chr17:43,106,495, G>A on the plus strand (C>T on the coding strand, the complement: BRCA1 is on the minus strand). VCF-style: chr17-43106495-G-A. GRCh37 (hg19) VCF-style: chr17-41258512-G-A.
Other names: c.-16C>T (NM_001407571.1, NM_001407853.1, NM_001407879.1 and 58 more transcripts); c.173C>T, p.Pro58Leu (NM_001407581.1, NM_001407582.1, NM_001407583.1 and 168 more transcripts); c.32C>T, p.Pro11Leu (NM_001407692.1, NM_001407694.1, NM_001407695.1 and 99 more transcripts); short protein forms P11L, P58L.
Identifiers: ClinVar variation 868244 (VCV000868244.3), dbSNP rs2054783819, ClinGen allele CA10601811.